The following is an entry in ClinVar:

NM_000535.7(PMS2):c.2190C>T (p.Asn730=)

Gene: PMS2 (PMS1 homolog 2, mismatch repair system component; minus strand). Cytogenetic location: 7p22.1.
Variant type: single nucleotide variant.
Coding change: c.2190C>T on transcript NM_000535.7 (MANE Select); coding-DNA position 2190, C replaced by T.
Protein change: p.Asn730=; no amino-acid change (asparagine 730 retained).
Molecular consequence: synonymous variant. On other transcripts: non-coding transcript variant (1).
Genome position (GRCh38, 1-based): chr7:5,978,681, G>A on the plus strand (C>T on the coding strand, the complement: PMS2 is on the minus strand). VCF-style: chr7-5978681-G-A. GRCh37 (hg19) VCF-style: chr7-6018312-G-A.
Other names: c.1785C>T, p.Asn595= (NM_001322003.2, NM_001322004.2, NM_001322005.2 and 1 more transcripts); c.2034C>T, p.Asn678= (NM_001322006.2); c.1872C>T, p.Asn624= (NM_001322007.2, NM_001322008.2); c.1629C>T, p.Asn543= (NM_001322010.2); c.1257C>T, p.Asn419= (NM_001322011.2, NM_001322012.2); c.1617C>T, p.Asn539= (NM_001322013.2); c.2190C>T, p.Asn730= (NM_001322014.2); c.1881C>T, p.Asn627= (NM_001322015.2).
Identifiers: ClinVar variation 682560 (VCV000682560.16), dbSNP rs756337875, ClinGen allele CA047033.

ClinVar aggregate classification (germline): Benign/Likely benign. Review status: criteria provided, multiple submitters, no conflicts (2 of 4 stars). 5 submissions from 5 submitters: Benign (1); Likely benign (4). Last evaluated 2026-01-28.

Conditions:
Hereditary nonpolyposis colorectal neoplasms. Identifiers: MedGen C0009405, MeSH D003123.
Hereditary cancer-predisposing syndrome. Also called: Neoplastic Syndromes, Hereditary; Tumor predisposition; Hereditary neoplastic syndrome; Hereditary Cancer Syndrome. Identifiers: Orphanet 140162, MedGen C0027672, MeSH D009386, MONDO:0015356.
Lynch syndrome 4 (LYNCH4). Also called: Hereditary non-polyposis colorectal cancer, type 4; Colorectal cancer, hereditary nonpolyposis, type 4. Identifiers: Orphanet 144, MedGen C1838333, MONDO:0013699, OMIM 614337. Disease mechanism: loss of function.

Allele frequency attached by ClinVar (database versions not stated): gnomAD exomes below 0.00001; TOPMed below 0.00001; ExAC 0.00002.
gnomAD v4.1: 5 of 1,593,080 alleles (0.00031%); highest among the groups gnomAD compares: Admixed American, 0.0033%; no homozygotes.

Submissions (5):

Labcorp Genetics (formerly Invitae), Labcorp
Classification: Likely benign for Hereditary nonpolyposis colorectal neoplasms. Last evaluated: 2026-01-28. Review status: criteria provided, single submitter. Criteria: Invitae Variant Classification Sherloc (09022015). Collection method: clinical testing. Allele origin: germline.

Color Diagnostics, LLC DBA Color Health
Classification: Likely benign for Hereditary cancer-predisposing syndrome. Last evaluated: 2025-09-05. Review status: criteria provided, single submitter. Criteria: ACMG Guidelines, 2015. Collection method: clinical testing. Allele origin: germline.

Myriad Genetics, Inc.
Classification: Benign for Lynch syndrome 4. Last evaluated: 2025-02-03. Review status: criteria provided, single submitter. Criteria: Myriad Autosomal Dominant, Autosomal Recessive and X-Linked Classification Criteria (2023). Collection method: clinical testing. Allele origin: unknown.
Comment: This variant is considered benign. This variant is a silent/synonymous amino acid change and it is not expected to impact splicing.

Ambry Genetics
Classification: Likely benign for Hereditary cancer-predisposing syndrome. Last evaluated: 2020-08-15. Review status: criteria provided, single submitter. Criteria: Ambry Variant Classification Scheme 2023. Collection method: clinical testing. Allele origin: germline.

GeneDx
Classification: Likely benign. Last evaluated: 2018-04-25. Review status: criteria provided, single submitter. Criteria: GeneDx Variant Classification (06012015). Collection method: clinical testing. Allele origin: germline. Affected: yes.
Comment: This variant is considered likely benign or benign based on one or more of the following criteria: it is a conservative change, it occurs at a poorly conserved position in the protein, it is predicted to be benign by multiple in silico algorithms, and/or has population frequency not consistent with disease.